The following is an entry in ClinVar:

ClinVar aggregate classification (germline): Uncertain significance (1 of 4 stars; one submission).

Conditions:
Intellectual disability, autosomal dominant 11. Identifiers: MedGen C3280285, MONDO:0013658, OMIM 614257.

Submission:

3billion
Classification: Uncertain significance for Intellectual disability, autosomal dominant 11. Last evaluated: 2025-12-07. Review status: criteria provided, single submitter. Criteria: ACMG Guidelines, 2015. Collection method: clinical testing. Allele origin: germline. Affected: yes.
Comment: The variant is not observed in the gnomAD v4.1.0 dataset. Predicted Consequence/Location: Missense variant In silico tool prediction suggests damaging effect of the variant on gene or gene product [REVEL: 0.88 (>=0.6, sensitivity 0.68 and specificity 0.92)]. Therefore, this variant is classified as VUS according to the recommendation of ACMG/AMP guideline.

NM_012156.2(EPB41L1):c.377T>C (p.Val126Ala)

Gene: EPB41L1 (erythrocyte membrane protein band 4.1 like 1; plus strand). Cytogenetic location: 20q11.23.
Variant type: single nucleotide variant.
Coding change: c.377T>C on transcript NM_012156.2 (MANE Select); coding-DNA position 377, T replaced by C.
Protein change: p.Val126Ala; replaces valine 126 with alanine.
Molecular consequence: missense variant.
Genome position (GRCh38, 1-based): chr20:36,177,986, T>C. VCF-style: chr20-36177986-T-C. GRCh37 (hg19) VCF-style: chr20-34765908-T-C.
Other names: c.377T>C, p.Val126Ala (NM_001424396.1, NM_001424397.1, NM_001424398.1 and 14 more transcripts); c.191T>C, p.Val64Ala (NM_001424403.1, NM_001424404.1, NM_001424405.1 and 19 more transcripts); c.284T>C, p.Val95Ala (NM_001258330.1); short protein forms V126A, V64A, V95A.
Identifiers: ClinVar variation 4854740 (VCV004854740.1).